The following is an entry in ClinVar:

ClinVar aggregate classification (germline): Uncertain significance (1 of 4 stars; one submission).

Conditions:
Arrhythmogenic right ventricular cardiomyopathy (ARVD). Also called: Arrhythmogenic right ventricular dysplasia; Cardiomyopathy, ARVC; Arrhythmogenic cardiomyopathy; Arrhythmogenic Right Ventricular Cardiomyopathy (ARVC). Identifiers: Orphanet 247, MedGen C0349788, MeSH D019571, MONDO:0016587. Disease mechanism: loss of function. Inheritance: Various modes of inheritance.

Allele frequency attached by ClinVar (database versions not stated): gnomAD exomes below 0.00001; ExAC 0.00001.
gnomAD v4.1: 4 of 1,613,130 alleles (0.00025%); highest among the groups gnomAD compares: Non-Finnish European, 0.00034%; no homozygotes.

Submission:

All of Us Research Program, National Institutes of Health
Classification: Uncertain significance for Arrhythmogenic right ventricular cardiomyopathy. Last evaluated: 2023-05-31. Review status: criteria provided, single submitter. Criteria: ACMG Guidelines, 2015. Collection method: clinical testing. Allele origin: germline. Inheritance: Autosomal dominant inheritance. Observed: 1 variant allele, 1 heterozygote.
Comment: This study involves interpretation of variants in research participants for the purpose of population health screening. Participant phenotype was not available at the time of variant classification. Additional details can be found in publication PMID: 35346344, PMCID: PMC8962531

NM_001005242.3(PKP2):c.1618G>C (p.Asp540His)

Gene: PKP2 (plakophilin 2; minus strand). Cytogenetic location: 12p11.21.
Variant type: single nucleotide variant.
Coding change: c.1618G>C on transcript NM_001005242.3 (MANE Select); coding-DNA position 1618, G replaced by C.
Protein change: p.Asp540His; replaces aspartic acid 540 with histidine.
Molecular consequence: missense variant.
Genome position (GRCh38, 1-based): chr12:32,824,101, C>G on the plus strand (G>C on the coding strand, the complement: PKP2 is on the minus strand). VCF-style: chr12-32824101-C-G. GRCh37 (hg19) VCF-style: chr12-32977035-C-G.
Other names: c.1618G>C, p.Asp540His (NM_001407155.1, NM_001407156.1, NM_001407161.1); c.1750G>C, p.Asp584His (NM_001407157.1, NM_004572.4); c.1291G>C, p.Asp431His (NM_001407158.1, NM_001407159.1, NM_001407160.1 and 1 more transcripts); short protein forms D431H, D540H, D584H.
Identifiers: ClinVar variation 3071357 (VCV003071357.1), dbSNP rs776922980, ClinGen allele CA030610.